The following is an entry in ClinVar:

ClinVar aggregate classification (germline): Uncertain significance. Review status: criteria provided, multiple submitters, no conflicts (2 of 4 stars). 2 submissions from 2 submitters: Uncertain significance (2). Last evaluated 2025-09-23.

Conditions:
Cardiomyopathy (CMYO). Also called: Cardiomyopathies. Identifiers: Orphanet 167848, MedGen C0878544, MONDO:0004994, HP:0001638. Inheritance: Various modes of inheritance.
Arrhythmogenic right ventricular dysplasia 10. Also called: Arrhythmogenic Right Ventricular Dysplasia/Cardiomyopathy10; ARRHYTHMOGENIC RIGHT VENTRICULAR DYSPLASIA, FAMILIAL, 10; Arrhythmogenic right ventricular dysplasia/cardiomyopathy, type 10. Identifiers: MedGen C1857777, MONDO:0012434, OMIM 610193.

Submissions (2):

Color Diagnostics, LLC DBA Color Health
Classification: Uncertain significance for Cardiomyopathy. Last evaluated: 2025-09-23. Review status: criteria provided, single submitter. Criteria: ACMG Guidelines, 2015. Collection method: clinical testing. Allele origin: germline.
Comment: This variant results in the deletion of glutamic acid residue at codon 283 in the DSG2 protein. To our knowledge, functional studies have not been reported for this variant. This variant has not been reported in individuals affected with DSG2-related disorders in the literature. This variant has not been identified in the general population by the Genome Aggregation Database (gnomAD). The available evidence is insufficient to determine the role of this variant in disease conclusively. Therefore, this variant is classified as a Variant of Uncertain Significance.

Labcorp Genetics (formerly Invitae), Labcorp
Classification: Uncertain significance for Arrhythmogenic right ventricular dysplasia 10. Last evaluated: 2023-03-01. Review status: criteria provided, single submitter. Criteria: Invitae Variant Classification Sherloc (09022015). Collection method: clinical testing. Allele origin: germline.
Comment: In summary, the available evidence is currently insufficient to determine the role of this variant in disease. Therefore, it has been classified as a Variant of Uncertain Significance. Experimental studies and prediction algorithms are not available or were not evaluated, and the functional significance of this variant is currently unknown. This variant has been observed in individual(s) with arrhythmogenic right ventricular cardiomyopathy (PMID: 25765472). This variant is not present in population databases (gnomAD no frequency). This variant, c.847_849del, results in the deletion of 1 amino acid(s) of the DSG2 protein (p.Glu283del), but otherwise preserves the integrity of the reading frame.

Literature cited by the submitters: PubMed 25765472 (cited by Labcorp Genetics (formerly Invitae), Labcorp).

NM_001943.5(DSG2):c.844GAA[1] (p.Glu283del)

Gene: DSG2 (desmoglein 2; plus strand). Cytogenetic location: 18q12.1.
Variant type: Microsatellite.
Coding change: c.844GAA[1] on transcript NM_001943.5 (MANE Select); one copy of the 3-base unit GAA starting at c.844; the reference has two copies in a row; one copy, 3 bases deleted; also written c.847_849del.
Protein change: p.Glu283del; deletes glutamic acid 283.
Molecular consequence: inframe deletion.
Genome position (GRCh38, 1-based): chr18:31,524,721-31,524,723, GAA deleted; deleting any 3 consecutive bases within chr18:31,524,718-31,524,723 gives the same sequence; the position shown is the placement nearest the transcript's 3' end. VCF-style (leftmost placement, unchanged base first): chr18-31524717-TGAA-T. GRCh37 (hg19) VCF-style: chr18-29104680-TGAA-T.
Other names: c.847_849del (NM_001943.5); short protein forms E283del.
Identifiers: ClinVar variation 1468652 (VCV001468652.6), dbSNP rs1365781004, ClinGen allele CA778437105.
Genomic context (GRCh38, chr18:31,524,717, plus strand): 5'-TATTTGTATTTCATTGAAATAAAAATCATGTGTTCATGTTTTGCAGCTTGAAGGGATGGT[TGAA>T]GAAAATCAAGTCAACGTAGAAGTTACGCGCATAAAAGTGTTCGATGCAGATGAAATAGGT-3'